The following is an entry in ClinVar:

NM_000352.6(ABCC8):c.1416T>C (p.Pro472=)

Gene: ABCC8 (ATP binding cassette subfamily C member 8; minus strand). Cytogenetic location: 11p15.1.
Variant type: single nucleotide variant.
Coding change: c.1416T>C on transcript NM_000352.6 (MANE Select); coding-DNA position 1416, T replaced by C.
Protein change: p.Pro472=; no amino-acid change (proline 472 retained).
Molecular consequence: synonymous variant. On other transcripts: non-coding transcript variant (1).
Genome position (GRCh38, 1-based): chr11:17,443,229, A>G on the plus strand (T>C on the coding strand, the complement: ABCC8 is on the minus strand). VCF-style: chr11-17443229-A-G. GRCh37 (hg19) VCF-style: chr11-17464776-A-G.
Other names: c.1416T>C, p.Pro472= (NM_001287174.3, NM_001351295.2); c.1413T>C, p.Pro471= (NM_001351296.2, NM_001351297.2).
Identifiers: ClinVar variation 752893 (VCV000752893.10), dbSNP rs1391155490, ClinGen allele CA473298644.

ClinVar aggregate classification (germline): Conflicting classifications of pathogenicity. Review status: criteria provided, conflicting classifications (1 of 4 stars). 4 submissions from 3 submitters: Uncertain significance (2); Likely benign (2). Last evaluated 2024-11-19.

Conditions:
Transitory neonatal diabetes mellitus. Also called: Transient neonatal diabetes mellitus. Identifiers: MedGen C0342273, MONDO:0020525, HP:0008255.
Maturity-onset diabetes of the young (MODY). Also called: Maturity onset diabetes mellitus in young. Identifiers: Orphanet 552, MedGen C0342276, MONDO:0018911, HP:0004904.

Allele frequency attached by ClinVar (database versions not stated): gnomAD exomes below 0.00001.
gnomAD v4.1: 1 of 1,614,192 alleles (0.000062%); highest among the groups gnomAD compares: Admixed American, 0.0017%; no homozygotes.

Submissions (4):

Women's Health and Genetics/Laboratory Corporation of America, LabCorp
Classification: Likely benign. Last evaluated: 2024-11-19. Review status: criteria provided, single submitter. Criteria: LabCorp Variant Classification Summary - May 2015. Collection method: clinical testing. Allele origin: germline.

Labcorp Genetics (formerly Invitae), Labcorp
Classification: Likely benign. Last evaluated: 2024-03-13. Review status: criteria provided, single submitter. Criteria: Invitae Variant Classification Sherloc (09022015). Collection method: clinical testing. Allele origin: germline.

Clinical Genomics, Uppaluri K&H Personalized Medicine Clinic
Classification: Uncertain significance for Transitory neonatal diabetes mellitus. Review status: criteria provided, single submitter. Criteria: K & H Uppaluri Personalized Medicine Clinic Variant Classification & Assertion Criteria_Updated V.1. Collection method: research. Allele origin: unknown. Inheritance: Somatic mutation.
Comment: Mutations in ABCC8 gene are associated with both neonatal diabetes mellitus as well as MODY. Patients with this mutation may have a better response to sulfonylureas. However, no sufficient evidence is found to ascertain the role of this particular variant (rs1391155490) in neonatal diabetes yet.

Clinical Genomics, Uppaluri K&H Personalized Medicine Clinic
Classification: Uncertain significance for Maturity-onset diabetes of the young. Review status: criteria provided, single submitter. Criteria: K & H Uppaluri Personalized Medicine Clinic Variant Classification & Assertion Criteria_Updated V.1. Collection method: research. Allele origin: unknown. Inheritance: Somatic mutation.
Comment: Mutations in ABCC8 gene are associated with both neonatal diabetes mellitus as well as MODY. Patients with this mutation may have a better response to sulfonylureas. However, no sufficient evidence is found to ascertain the role of this particular variant (rs1391155490) in MODY yet.

Literature cited by the submitters: PubMed 16885549 (cited by Clinical Genomics, Uppaluri K&H Personalized Medicine Clinic); PubMed 21989597 (cited by Clinical Genomics, Uppaluri K&H Personalized Medicine Clinic); PubMed 27538677 (cited by Clinical Genomics, Uppaluri K&H Personalized Medicine Clinic); PubMed 18981553 (cited by Clinical Genomics, Uppaluri K&H Personalized Medicine Clinic); PubMed 32027066 (cited by Clinical Genomics, Uppaluri K&H Personalized Medicine Clinic); PubMed 16613899 (cited by Clinical Genomics, Uppaluri K&H Personalized Medicine Clinic); PubMed 18025408 (cited by Clinical Genomics, Uppaluri K&H Personalized Medicine Clinic); PubMed 32792356 (cited by Clinical Genomics, Uppaluri K&H Personalized Medicine Clinic).